The following is an entry in ClinVar:

ClinVar aggregate classification (germline): Likely benign (1 of 4 stars; one submission).

Submission:

CeGaT Center for Human Genetics Tuebingen
Classification: Likely benign. Last evaluated: 2025-03-01. Review status: criteria provided, single submitter. Criteria: CeGaT Center For Human Genetics Tuebingen Variant Classification Criteria Version 2. Collection method: clinical testing. Allele origin: germline. Affected: yes. Observed: 1 variant allele.
Comment: ANAPC1: PM2:Supporting, BP4, BP7

NM_022662.4(ANAPC1):c.5304G>A (p.Leu1768=)

Gene: ANAPC1 (anaphase promoting complex subunit 1; minus strand). Cytogenetic location: 2q13.
Variant type: single nucleotide variant.
Coding change: c.5304G>A on transcript NM_022662.4 (MANE Select); coding-DNA position 5304, G replaced by A.
Protein change: p.Leu1768=; no amino-acid change (leucine 1768 retained).
Molecular consequence: synonymous variant.
Genome position (GRCh38, 1-based): chr2:111,778,756, C>T on the plus strand (G>A on the coding strand, the complement: ANAPC1 is on the minus strand). VCF-style: chr2-111778756-C-T. GRCh37 (hg19) VCF-style: chr2-112536333-C-T.
Identifiers: ClinVar variation 3778501 (VCV003778501.7).